The following is an entry in ClinVar:

ClinVar aggregate classification (germline): Likely benign. Review status: criteria provided, multiple submitters, no conflicts (2 of 4 stars). 2 submissions from 2 submitters: Likely benign (2). Last evaluated 2024-12-17.

Conditions:
PCNT-related disorder. Also called: PCNT-related condition.

Allele frequency attached by ClinVar (database versions not stated): gnomAD exomes 0.00001.
gnomAD v4.1: 3 of 1,612,494 alleles (0.00019%); highest among the groups gnomAD compares: Non-Finnish European, 0.00025%; no homozygotes.

Submissions (2):

PreventionGenetics, part of Exact Sciences
Classification: Likely benign for PCNT-related condition. Last evaluated: 2024-12-17. Review status: criteria provided, single submitter. Criteria: ACMG Guidelines, 2015. Collection method: clinical testing. Allele origin: germline.
Comment: This variant is classified as likely benign based on ACMG/AMP sequence variant interpretation guidelines (Richards et al. 2015 PMID: 25741868, with internal and published modifications).

Labcorp Genetics (formerly Invitae), Labcorp
Classification: Likely benign. Last evaluated: 2023-08-19. Review status: criteria provided, single submitter. Criteria: Invitae Variant Classification Sherloc (09022015). Collection method: clinical testing. Allele origin: germline.

NM_006031.6(PCNT):c.2499C>A (p.Ala833=)

Gene: PCNT (pericentrin; plus strand). Cytogenetic location: 21q22.3.
Variant type: single nucleotide variant.
Coding change: c.2499C>A on transcript NM_006031.6 (MANE Select); coding-DNA position 2499, C replaced by A.
Protein change: p.Ala833=; no amino-acid change (alanine 833 retained).
Molecular consequence: synonymous variant.
Genome position (GRCh38, 1-based): chr21:46,363,824, C>A. VCF-style: chr21-46363824-C-A. GRCh37 (hg19) VCF-style: chr21-47783739-C-A.
Other names: c.2499C>A (NM_006031.5); c.2145C>A, p.Ala715= (NM_001315529.2).
Identifiers: ClinVar variation 3015460 (VCV003015460.4), dbSNP rs1406211134, ClinGen allele CA513173423.